The following is an entry in ClinVar:

ClinVar aggregate classification (germline): Uncertain significance. Review status: criteria provided, multiple submitters, no conflicts (2 of 4 stars). 3 submissions from 3 submitters: Uncertain significance (3). Last evaluated 2023-11-06.

Conditions:
Peutz-Jeghers syndrome (PJS). Also called: POLYPOSIS, HAMARTOMATOUS INTESTINAL; POLYPS-AND-SPOTS SYNDROME; Peutz-Jeghers polyposis; Periorificial lentiginosis syndrome. Identifiers: Orphanet 2869, MedGen C0031269, MeSH D010580, MONDO:0008280, OMIM 175200.
Hereditary cancer-predisposing syndrome. Also called: Tumor predisposition; Neoplastic Syndromes, Hereditary; Hereditary Cancer Syndrome; Hereditary neoplastic syndrome. Identifiers: Orphanet 140162, MedGen C0027672, MeSH D009386, MONDO:0015356.

Allele frequency attached by ClinVar (database versions not stated): gnomAD exomes below 0.00001.
gnomAD v4.1: 2 of 1,611,874 alleles (0.00012%); highest among the groups gnomAD compares: South Asian, 0.0011%; no homozygotes.

Submissions (3):

Labcorp Genetics (formerly Invitae), Labcorp
Classification: Uncertain significance for Peutz-Jeghers syndrome. Last evaluated: 2023-11-06. Review status: criteria provided, single submitter. Criteria: Invitae Variant Classification Sherloc (09022015). Collection method: clinical testing. Allele origin: germline.
Comment: This sequence change replaces glutamic acid, which is acidic and polar, with alanine, which is neutral and non-polar, at codon 357 of the STK11 protein (p.Glu357Ala). This variant is present in population databases (no rsID available, gnomAD 0.003%). This variant has not been reported in the literature in individuals affected with STK11-related conditions. ClinVar contains an entry for this variant (Variation ID: 1783206). Advanced modeling of protein sequence and biophysical properties (such as structural, functional, and spatial information, amino acid conservation, physicochemical variation, residue mobility, and thermodynamic stability) has been performed at Invitae for this missense variant, however the output from this modeling did not meet the statistical confidence thresholds required to predict the impact of this variant on STK11 protein function. In summary, the available evidence is currently insufficient to determine the role of this variant in disease. Therefore, it has been classified as a Variant of Uncertain Significance.

Ambry Genetics
Classification: Uncertain significance for Hereditary cancer-predisposing syndrome. Last evaluated: 2023-09-22. Review status: criteria provided, single submitter. Criteria: Ambry Variant Classification Scheme 2023. Collection method: clinical testing. Allele origin: germline.
Comment: The p.E357A variant (also known as c.1070A>C), located in coding exon 8 of the STK11 gene, results from an A to C substitution at nucleotide position 1070. The glutamic acid at codon 357 is replaced by alanine, an amino acid with dissimilar properties. This amino acid position is well conserved in available vertebrate species. In addition, this alteration is predicted to be tolerated by in silico analysis. Since supporting evidence is limited at this time, the clinical significance of this alteration remains unclear.

Neuberg Centre For Genomic Medicine, NCGM
Classification: Uncertain significance for Peutz-Jeghers syndrome. Last evaluated: 2023-06-22. Review status: criteria provided, single submitter. Criteria: ACMG Guidelines, 2015. Collection method: clinical testing. Allele origin: germline. Inheritance: Autosomal dominant inheritance. Affected: yes.
Comment: The missense variant c.1070A>C (p.Glu357Ala) in STK11 gene has not been reported previously as a pathogenic variant nor as a benign variant, to our knowledge. The p.Glu357Ala variant has allele frequency of 0.0004% in gnomAD exomes database. This variant has been submitted to the ClinVar database as Uncertain Significance. Multiple lines of computational evidence (Polyphen - benign, SIFT - tolerated and MutationTaster - disease causing) predicts conflicting evidence on protein structure and function for this variant. The reference amino acid at this position on STK11 gene is predicted as conserved by GERP++ and PhyloP across 100 vertebrates. The amino acid Glu at position 357 is changed to a Ala changing protein sequence and it might alter its composition and physico-chemical properties. For these reasons, this variant has been classified as Uncertain Significance (VUS).

NM_000455.5(STK11):c.1070A>C (p.Glu357Ala)

Genes: STK11 (serine/threonine kinase 11; plus strand), LOC130062899 (ATAC-STARR-seq lymphoblastoid active region 13597; plus strand). Cytogenetic location: 19p13.3.
Variant type: single nucleotide variant.
Coding change: c.1070A>C on transcript NM_000455.5 (MANE Select); coding-DNA position 1070, A replaced by C.
Protein change: p.Glu357Ala; replaces glutamic acid 357 with alanine.
Molecular consequence: missense variant.
Genome position (GRCh38, 1-based): chr19:1,223,134, A>C. VCF-style: chr19-1223134-A-C. GRCh37 (hg19) VCF-style: chr19-1223133-A-C.
Other names: c.1070A>C, p.Glu357Ala (NM_001407255.1); short protein forms E357A.
Identifiers: ClinVar variation 1783206 (VCV001783206.6), dbSNP rs1424464160, ClinGen allele CA402951872.